The following is an entry in ClinVar:

NM_001098816.3(TENM4):c.3720C>T (p.Asp1240=)

Gene: TENM4 (teneurin transmembrane protein 4; minus strand). Cytogenetic location: 11q14.1.
Variant type: single nucleotide variant.
Coding change: c.3720C>T on transcript NM_001098816.3 (MANE Select); coding-DNA position 3720, C replaced by T.
Protein change: p.Asp1240=; no amino-acid change (aspartic acid 1240 retained).
Molecular consequence: synonymous variant.
Genome position (GRCh38, 1-based): chr11:78,722,748, G>A on the plus strand (C>T on the coding strand, the complement: TENM4 is on the minus strand). VCF-style: chr11-78722748-G-A. GRCh37 (hg19) VCF-style: chr11-78433793-G-A.
Identifiers: ClinVar variation 2642220 (VCV002642220.24), dbSNP rs377402929, ClinGen allele CA6206985.

ClinVar aggregate classification (germline): Likely benign (1 of 4 stars; one submission).

Allele frequency attached by ClinVar (database versions not stated): gnomAD 0.00014; gnomAD exomes 0.00014; TOPMed 0.00014; ESP Exome Variant Server 0.00025; 1000 Genomes Project 30x 0.00031; ExAC 0.00036; 1000 Genomes Project 0.00040.
gnomAD v4.1: 240 of 1,614,060 alleles (0.015%); highest among the groups gnomAD compares: South Asian, 0.13%; no homozygotes.

Submission:

CeGaT Center for Human Genetics Tuebingen
Classification: Likely benign. Last evaluated: 2022-11-01. Review status: criteria provided, single submitter. Criteria: CeGaT Center For Human Genetics Tuebingen Variant Classification Criteria Version 2. Collection method: clinical testing. Allele origin: germline. Affected: yes. Observed: 1 variant allele.
Comment: TENM4: BP4, BP7, BS1